The following is an entry in ClinVar:

ClinVar aggregate classification (germline): Uncertain significance (1 of 4 stars; one submission).

Allele frequency attached by ClinVar (database versions not stated): ExAC 0.00002; gnomAD exomes 0.00003 and 0.00005; TOPMed 0.00003; gnomAD 0.00005; ESP Exome Variant Server 0.00008.

Submission:

Labcorp Genetics (formerly Invitae), Labcorp
Classification: Uncertain significance. Last evaluated: 2026-01-20. Review status: criteria provided, single submitter. Criteria: Invitae Variant Classification Sherloc (09022015). Collection method: clinical testing. Allele origin: germline.
Comment: This sequence change replaces methionine, which is neutral and non-polar, with leucine, which is neutral and non-polar, at codon 1636 of the OTOGL protein (p.Met1636Leu). This variant is present in population databases (rs370854304, gnomAD 0.009%). This variant has not been reported in the literature in individuals affected with OTOGL-related conditions. ClinVar contains an entry for this variant (Variation ID: 1354694). An algorithm developed to predict the effect of missense changes on protein structure and function (PolyPhen-2) suggests that this variant is likely to be tolerated. In summary, the available evidence is currently insufficient to determine the role of this variant in disease. Therefore, it has been classified as a Variant of Uncertain Significance.

NM_001378609.3(OTOGL):c.4933A>C (p.Met1645Leu)

Gene: OTOGL (otogelin like; plus strand). Cytogenetic location: 12q21.31.
Variant type: single nucleotide variant.
Coding change: c.4933A>C on transcript NM_001378609.3 (MANE Select); coding-DNA position 4933, A replaced by C.
Protein change: p.Met1645Leu; replaces methionine 1645 with leucine.
Molecular consequence: missense variant.
Genome position (GRCh38, 1-based): chr12:80,339,147, A>C. VCF-style: chr12-80339147-A-C. GRCh37 (hg19) VCF-style: chr12-80732927-A-C.
Other names: c.4798A>C, p.Met1600Leu (NM_001368062.3); c.4933A>C, p.Met1645Leu (NM_001378610.3, NM_173591.7); short protein forms M1600L, M1645L.
Identifiers: ClinVar variation 1354694 (VCV001354694.6), dbSNP rs370854304, ClinGen allele CA6701555.